The following is an entry in ClinVar:

ClinVar aggregate classification (germline): Uncertain significance (1 of 4 stars; one submission).

Conditions:
Inborn genetic diseases. Identifiers: MedGen C0950123, MeSH D030342.

Allele frequency attached by ClinVar (database versions not stated): gnomAD exomes below 0.00001; ExAC 0.00001.
gnomAD v4.1: 2 of 1,612,938 alleles (0.00012%); highest among the groups gnomAD compares: Admixed American, 0.0017%; no homozygotes.

Submission:

Ambry Genetics
Classification: Uncertain significance for Inborn genetic diseases. Last evaluated: 2021-10-17. Review status: criteria provided, single submitter. Criteria: Ambry Variant Classification Scheme 2023. Collection method: clinical testing. Allele origin: germline.
Comment: The c.2571-6C>T intronic alteration consists of a C to T substitution 6 nucleotides before coding exon 23 in the POLR3B gene. Based on insufficient or conflicting evidence, the clinical significance of this alteration remains unclear.

NM_018082.6(POLR3B):c.2571-6C>T

Gene: POLR3B (RNA polymerase III subunit B; plus strand). Cytogenetic location: 12q23.3.
Variant type: single nucleotide variant.
Coding change: c.2571-6C>T on transcript NM_018082.6 (MANE Select); 6 bases into the intron before coding-DNA position 2571, C replaced by T.
Molecular consequence: intron variant.
Genome position (GRCh38, 1-based): chr12:106,463,472, C>T. VCF-style: chr12-106463472-C-T. GRCh37 (hg19) VCF-style: chr12-106857250-C-T.
Other names: c.2397-6C>T (NM_001160708.2).
Identifiers: ClinVar variation 2249678 (VCV002249678.2), dbSNP rs762574344, ClinGen allele CA6762240.